The following is an entry in ClinVar:

NM_000492.4(CFTR):c.2261del (p.Val754fs)

Gene: CFTR (CF transmembrane conductance regulator; plus strand). Cytogenetic location: 7q31.2.
Variant type: Deletion.
Coding change: c.2261del on transcript NM_000492.4 (MANE Select); coding-DNA position 2261, one base deleted (T; older notation c.2261delT).
Protein change: p.Val754fs; shifts the reading frame from valine 754.
Molecular consequence: frameshift variant.
Genome position (GRCh38, 1-based): chr7:117,592,428, T deleted. VCF-style (leftmost placement, unchanged base first): chr7-117592427-GT-G. GRCh37 (hg19) VCF-style: chr7-117232481-GT-G.
Other names: c.2261del (NM_000492.3); short protein forms V754fs.
Identifiers: ClinVar variation 1443618 (VCV001443618.8), dbSNP rs2116032687, ClinGen allele CA2573141691.

ClinVar aggregate classification (germline): Pathogenic/Likely pathogenic. Review status: criteria provided, multiple submitters, no conflicts (2 of 4 stars). 2 submissions from 2 submitters: Pathogenic (1); Likely pathogenic (1). Last evaluated 2025-03-24.

Conditions:
Cystic fibrosis (CF). Also called: MUCOVISCIDOSIS. Identifiers: Orphanet 586, MedGen C0010674, MONDO:0009061, OMIM 219700. Disease mechanism: loss of function.
CFTR-related disorder (CFTR-RD). Also called: CFTR-related disorders; CFTR-related condition. Identifiers: MedGen C5924204, MONDO:7770004.

Submissions (2):

Natera, Inc.
Classification: Likely pathogenic for CFTR-related disorders. Last evaluated: 2025-03-24. Review status: criteria provided, single submitter. Criteria: Natera Variant Classification Schema (03/2026). Collection method: clinical testing. Allele origin: germline.
Comment: The c.2261del variant in CFTR is a frameshift variant predicted to shift the reading frame beginning at codon 754 and leads to a stop codon 17 codons downstream. This variant is expected to result in nonsense mediated decay, truncation, or a dysfunctional protein product. This variant is rare in the general population with a frequency below the threshold expected for the associated phenotype(s). Given the available evidence, this variant is classified as Likely Pathogenic.

Labcorp Genetics (formerly Invitae), Labcorp
Classification: Pathogenic for Cystic fibrosis. Last evaluated: 2021-11-01. Review status: criteria provided, single submitter. Criteria: Invitae Variant Classification Sherloc (09022015). Collection method: clinical testing. Allele origin: germline.
Comment: This variant is also known as p.754delT. For these reasons, this variant has been classified as Pathogenic. This premature translational stop signal has been observed in individual(s) with cystic fibrosis (PMID: 29850441). This variant is not present in population databases (gnomAD no frequency). This sequence change creates a premature translational stop signal (p.Val754Glyfs*17) in the CFTR gene. It is expected to result in an absent or disrupted protein product. Loss-of-function variants in CFTR are known to be pathogenic (PMID: 1695717, 7691345, 9725922).

Literature cited by the submitters: PubMed 29850441 (cited by Labcorp Genetics (formerly Invitae), Labcorp); PubMed 1695717 (cited by Labcorp Genetics (formerly Invitae), Labcorp); PubMed 7691345 (cited by Labcorp Genetics (formerly Invitae), Labcorp); PubMed 9725922 (cited by Labcorp Genetics (formerly Invitae), Labcorp).